The following is an entry in ClinVar:

NC_000007.13:g.(?_55221694)_(55225456_?)del

Gene: EGFR (epidermal growth factor receptor; plus strand). Cytogenetic location: 7p11.2.
Variant type: Deletion.
Identifiers: ClinVar variation 1456059 (VCV001456059.4).

ClinVar aggregate classification (germline): Pathogenic (1 of 4 stars; one submission).

Conditions:
EGFR-related lung cancer (EGFR). Identifiers: MedGen CN130014.

Submission:

Labcorp Genetics (formerly Invitae), Labcorp
Classification: Pathogenic for EGFR-related lung cancer. Last evaluated: 2021-10-16. Review status: criteria provided, single submitter. Criteria: Invitae Variant Classification Sherloc (09022015). Collection method: clinical testing. Allele origin: germline.
Comment: This variant is a gross deletion of the genomic region encompassing exon(s) 7-11 of the EGFR gene. This deletion is out-of-frame, and is expected to create a premature termination codon and result in an absent or disrupted protein product. Loss-of-function variants in EGFR are known to be pathogenic (PMID: 7630400, 28726809, 29899996). For these reasons, this variant has been classified as Pathogenic. This variant has not been reported in the literature in individuals affected with EGFR-related conditions.

Literature cited by the submitters: PubMed 7630400; PubMed 28726809; PubMed 29899996.